The following is an entry in ClinVar:

ClinVar aggregate classification (germline): Likely benign. Review status: reviewed by expert panel (3 of 4 stars). 3 submissions from 3 submitters: Likely benign (1). 2 of the submissions do not count toward it. Last evaluated 2024-09-10.

Conditions:
Inborn genetic diseases. Identifiers: MedGen C0950123, MeSH D030342.
Hereditary thrombocytopenia and hematologic cancer predisposition syndrome. Identifiers: Orphanet 71290, MedGen CN281654, MONDO:0011071.
Hereditary thrombocytopenia and hematological cancer predisposition syndrome associated with RUNX1. Also called: Familial Platelet Disorder with Propensity to Acute Myelogenous Leukemia; Familial thrombocytopenia with propensity to acute myelogenous leukemia; PLATELET DISORDER, ASPIRIN-LIKE; RUNX1 Familial Platelet Disorder with Associated Myeloid Malignancies. Identifiers: Orphanet 71290, MedGen C1832388, MeSH C563324, MONDO:0100083, OMIM 601399.

Allele frequency attached by ClinVar (database versions not stated): gnomAD exomes 0.00001; TOPMed 0.00002.
gnomAD v4.1: 11 of 1,565,842 alleles (0.0007%); highest among the groups gnomAD compares: African/African-American, 0.0014%; no homozygotes.

Submissions (3):

ClinGen Myeloid Malignancy Variant Curation Expert Panel
Classification: Likely benign for Hereditary thrombocytopenia and hematologic cancer predisposition syndrome. Last evaluated: 2024-09-10. Review status: reviewed by expert panel. Criteria: ClinGen MyeloMalig ACMG Specifications v2. Collection method: curation. Allele origin: germline. Inheritance: Autosomal dominant inheritance.
Comment: NM_001754.5(RUNX1):c.1185G>C (p.Pro395=) is a synonymous variant which has a SpliceAI score ≤ 0.20 (0.0) (BP4). This variant has a SpliceAI score ≤ 0.20 (0.0) and evolutionary conservation algorithms predict the site as not being conserved (PhyloP score ≤ 2.0 (-3.50)) (BP7). In summary, this variant meets criteria to be classified as likely benign. ACMG/AMP criteria applied, as specified by the Myeloid Malignancy Variant Curation Expert Panel for RUNX1: BP4, BP7.

Labcorp Genetics (formerly Invitae), Labcorp
Classification: Likely benign for Hereditary thrombocytopenia and hematological cancer predisposition syndrome associated with RUNX1. Last evaluated: 2025-06-09. Review status: criteria provided, single submitter. Criteria: Invitae Variant Classification Sherloc (09022015). Collection method: clinical testing. Allele origin: germline. Not counted in ClinVar's aggregate classification.

Ambry Genetics
Classification: Likely benign for Inborn genetic diseases. Last evaluated: 2024-12-14. Review status: criteria provided, single submitter. Criteria: Ambry Variant Classification Scheme 2023. Collection method: clinical testing. Allele origin: germline. Not counted in ClinVar's aggregate classification.

NM_001754.5(RUNX1):c.1185G>C (p.Pro395=)

Gene: RUNX1 (RUNX family transcription factor 1; minus strand). Cytogenetic location: 21q22.12.
Variant type: single nucleotide variant.
Coding change: c.1185G>C on transcript NM_001754.5 (MANE Select); coding-DNA position 1185, G replaced by C.
Protein change: p.Pro395=; no amino-acid change (proline 395 retained).
Molecular consequence: synonymous variant.
Genome position (GRCh38, 1-based): chr21:34,792,393, C>G on the plus strand (G>C on the coding strand, the complement: RUNX1 is on the minus strand). VCF-style: chr21-34792393-C-G. GRCh37 (hg19) VCF-style: chr21-36164690-C-G.
Other names: NM_001754.5(RUNX1):c.1185G>C; p.Pro395=; c.1104G>C, p.Pro368= (NM_001001890.3); c.1185G>C (NM_001754.4).
Identifiers: ClinVar variation 1124327 (VCV001124327.11), dbSNP rs964436940, ClinGen allele CA320251383.